The following is an entry in ClinVar:

ClinVar aggregate classification (germline): Uncertain significance. Review status: criteria provided, multiple submitters, no conflicts (2 of 4 stars). 2 submissions from 2 submitters: Uncertain significance (2). Last evaluated 2025-08-24.

Conditions:
Inborn genetic diseases. Identifiers: MedGen C0950123, MeSH D030342.

gnomAD v4.1: 1 of 1,613,920 alleles (0.000062%); no homozygotes.

Submissions (2):

Ambry Genetics
Classification: Uncertain significance for Inborn genetic diseases. Last evaluated: 2025-08-24. Review status: criteria provided, single submitter. Criteria: Ambry Variant Classification Scheme 2023. Collection method: clinical testing. Allele origin: germline.

Labcorp Genetics (formerly Invitae), Labcorp
Classification: Uncertain significance. Last evaluated: 2022-11-23. Review status: criteria provided, single submitter. Criteria: Invitae Variant Classification Sherloc (09022015). Collection method: clinical testing. Allele origin: germline.
Comment: This sequence change replaces glutamine, which is neutral and polar, with arginine, which is basic and polar, at codon 898 of the ROR2 protein (p.Gln898Arg). This variant is not present in population databases (gnomAD no frequency). This variant has not been reported in the literature in individuals affected with ROR2-related conditions. Advanced modeling of protein sequence and biophysical properties (such as structural, functional, and spatial information, amino acid conservation, physicochemical variation, residue mobility, and thermodynamic stability) performed at Invitae indicates that this missense variant is not expected to disrupt ROR2 protein function. In summary, the available evidence is currently insufficient to determine the role of this variant in disease. Therefore, it has been classified as a Variant of Uncertain Significance.

NM_004560.4(ROR2):c.2693A>G (p.Gln898Arg)

Gene: ROR2 (receptor tyrosine kinase like orphan receptor 2; minus strand). Cytogenetic location: 9q22.31.
Variant type: single nucleotide variant.
Coding change: c.2693A>G on transcript NM_004560.4 (MANE Select); coding-DNA position 2693, A replaced by G.
Protein change: p.Gln898Arg; replaces glutamine 898 with arginine.
Molecular consequence: missense variant.
Genome position (GRCh38, 1-based): chr9:91,723,801, T>C on the plus strand (A>G on the coding strand, the complement: ROR2 is on the minus strand). VCF-style: chr9-91723801-T-C. GRCh37 (hg19) VCF-style: chr9-94486083-T-C.
Other names: c.2693A>G (NM_004560.3); short protein forms Q898R.
Identifiers: ClinVar variation 2868977 (VCV002868977.4), dbSNP rs2490101344, ClinGen allele CA373793282.
Genomic context (GRCh38, chr9:91,723,801, plus strand): 5'-CCTTCCTCCTCCTCCTCTGCTTCCTGCACGGTGCTCTGGGCCCCATCTTCTGGGGCGTTC[T>C]GTGTGTCATCAGCGCCCTCTGAGAGCAGGGCTGCCCTGTCTGCCATGGATGTGTTGGAGG-3'
Protein context (NP_004551.2, residues 888-908): ALLSEGADDT[Gln898Arg]NAPEDGAQST